The following is an entry in ClinVar:

NM_182916.3(TRNT1):c.335C>G (p.Thr112Ser)

Gene: TRNT1 (tRNA nucleotidyl transferase 1; plus strand). Cytogenetic location: 3p26.2.
Variant type: single nucleotide variant.
Coding change: c.335C>G on transcript NM_182916.3 (MANE Select); coding-DNA position 335, C replaced by G.
Protein change: p.Thr112Ser; replaces threonine 112 with serine.
Molecular consequence: missense variant. On other transcripts: non-coding transcript variant (8).
Genome position (GRCh38, 1-based): chr3:3,137,446, C>G. VCF-style: chr3-3137446-C-G. GRCh37 (hg19) VCF-style: chr3-3179130-C-G.
Other names: c.335C>G, p.Thr112Ser (NM_001302946.2, NM_001367321.1, NM_001367322.1 and 1 more transcripts); short protein forms T112S.
Identifiers: ClinVar variation 2113353 (VCV002113353.4), dbSNP rs2471282286, ClinGen allele CA351443324.

ClinVar aggregate classification (germline): Uncertain significance (1 of 4 stars; one submission).

Conditions:
Congenital sideroblastic anemia-B-cell immunodeficiency-periodic fever-developmental delay syndrome. Also called: Sideroblastic anemia with B-cell immunodeficiency, periodic fevers, and developmental delay. Identifiers: Orphanet 369861, MedGen C4015172, MONDO:0014487, OMIM 616084.

Submission:

Labcorp Genetics (formerly Invitae), Labcorp
Classification: Uncertain significance for Congenital sideroblastic anemia-B-cell immunodeficiency-periodic fever-developmental delay syndrome. Last evaluated: 2022-03-17. Review status: criteria provided, single submitter. Criteria: Invitae Variant Classification Sherloc (09022015). Collection method: clinical testing. Allele origin: germline.
Comment: This sequence change replaces threonine, which is neutral and polar, with serine, which is neutral and polar, at codon 112 of the TRNT1 protein (p.Thr112Ser). This variant is not present in population databases (gnomAD no frequency). This variant has not been reported in the literature in individuals affected with TRNT1-related conditions. Algorithms developed to predict the effect of missense changes on protein structure and function are either unavailable or do not agree on the potential impact of this missense change (SIFT: "Deleterious"; PolyPhen-2: "Benign"; Align-GVGD: "Class C55"). In summary, the available evidence is currently insufficient to determine the role of this variant in disease. Therefore, it has been classified as a Variant of Uncertain Significance.